The following is an entry in ClinVar:

ClinVar aggregate classification (germline): Pathogenic (1 of 4 stars; one submission).

Conditions:
Early-infantile DEE. Also called: Ohtahara syndrome; Early infantile epileptic encephalopathy with suppression bursts; Early infantile epileptic encephalopathy. Identifiers: Orphanet 1934, MedGen C0393706, MONDO:0800491.

Submission:

Labcorp Genetics (formerly Invitae), Labcorp
Classification: Pathogenic for Early-infantile DEE. Last evaluated: 2024-12-03. Review status: criteria provided, single submitter. Criteria: Invitae Variant Classification Sherloc (09022015). Collection method: clinical testing. Allele origin: germline.
Comment: This sequence change replaces lysine, which is basic and polar, with asparagine, which is neutral and polar, at codon 1880 of the SCN8A protein (p.Lys1880Asn). This variant is not present in population databases (gnomAD no frequency). This missense change has been observed in individual(s) with benign familial neonatal-infantile seizures (internal data). In at least one individual the variant was observed to be de novo. ClinVar contains an entry for this variant (Variation ID: 839506). Invitae Evidence Modeling of protein sequence and biophysical properties (such as structural, functional, and spatial information, amino acid conservation, physicochemical variation, residue mobility, and thermodynamic stability) indicates that this missense variant is expected to disrupt SCN8A protein function with a positive predictive value of 95%. For these reasons, this variant has been classified as Pathogenic.

NM_001330260.2(SCN8A):c.5640A>C (p.Lys1880Asn)

Gene: SCN8A (sodium voltage-gated channel alpha subunit 8; plus strand). Cytogenetic location: 12q13.13.
Variant type: single nucleotide variant.
Coding change: c.5640A>C on transcript NM_001330260.2 (MANE Select); coding-DNA position 5640, A replaced by C.
Protein change: p.Lys1880Asn; replaces lysine 1880 with asparagine.
Molecular consequence: missense variant.
Genome position (GRCh38, 1-based): chr12:51,807,126, A>C. VCF-style: chr12-51807126-A-C. GRCh37 (hg19) VCF-style: chr12-52200910-A-C.
Other names: c.5517A>C, p.Lys1839Asn (NM_001177984.3, NM_001369788.1); c.5640A>C, p.Lys1880Asn (NM_014191.4); short protein forms K1880N, K1839N.
Identifiers: ClinVar variation 839506 (VCV000839506.10), dbSNP rs1938725748, ClinGen allele CA384888264.
Genomic context (GRCh38, chr12:51,807,126, plus strand): 5'-GGAGTTGGACATCCTGCGGCAGCAGATGGAAGAGCGGTTCGTGGCATCCAATCCTTCCAA[A>C]GTGTCTTACGAGCCAATCACAACCACACTGCGTCGCAAGCAGGAGGAGGTATCTGCAGTG-3'
Protein context (NP_001317189.1, residues 1870-1890): EERFVASNPS[Lys1880Asn]VSYEPITTTL